The following is an entry in ClinVar:

ClinVar aggregate classification (germline): Uncertain significance (1 of 4 stars; one submission).

Allele frequency attached by ClinVar (database versions not stated): gnomAD exomes below 0.00001; TOPMed 0.00001.
gnomAD v4.1: 4 of 1,211,272 alleles (0.00033%); highest among the groups gnomAD compares: Non-Finnish European, 0.00045%; no homozygotes.

Submission:

CeGaT Center for Human Genetics Tuebingen
Classification: Uncertain significance. Last evaluated: 2024-05-01. Review status: criteria provided, single submitter. Criteria: CeGaT Center For Human Genetics Tuebingen Variant Classification Criteria Version 2. Collection method: clinical testing. Allele origin: germline. Affected: yes. Observed: 1 variant allele.
Comment: IGSF1: PM2:Supporting

NM_001555.5(IGSF1):c.1818G>A (p.Lys606=)

Gene: IGSF1 (immunoglobulin superfamily member 1; minus strand). Cytogenetic location: Xq26.1.
Variant type: single nucleotide variant.
Coding change: c.1818G>A on transcript NM_001555.5 (MANE Select); coding-DNA position 1818, G replaced by A.
Protein change: p.Lys606=; no amino-acid change (lysine 606 retained).
Molecular consequence: synonymous variant.
Genome position (GRCh38, 1-based): chrX:131,278,684, C>T on the plus strand (G>A on the coding strand, the complement: IGSF1 is on the minus strand). VCF-style: chrX-131278684-C-T. GRCh37 (hg19) VCF-style: chrX-130412658-C-T.
Other names: c.1833G>A, p.Lys611= (NM_001170961.2); c.1791G>A, p.Lys597= (NM_001170962.2).
Identifiers: ClinVar variation 3239334 (VCV003239334.19), dbSNP rs1432811659.